The following is an entry in ClinVar:

NM_000506.5(F2):c.814G>A (p.Val272Met)

Gene: F2 (coagulation factor II, thrombin; plus strand). Cytogenetic location: 11p11.2.
Variant type: single nucleotide variant.
Coding change: c.814G>A on transcript NM_000506.5 (MANE Select); coding-DNA position 814, G replaced by A.
Protein change: p.Val272Met; replaces valine 272 with methionine.
Molecular consequence: missense variant.
Genome position (GRCh38, 1-based): chr11:46,726,113, G>A. VCF-style: chr11-46726113-G-A. GRCh37 (hg19) VCF-style: chr11-46747663-G-A.
Other names: short protein forms V272M.
Identifiers: ClinVar variation 877749 (VCV000877749.7), dbSNP rs199558597, ClinGen allele CA5967057.

ClinVar aggregate classification (germline): Uncertain significance. Review status: criteria provided, multiple submitters, no conflicts (2 of 4 stars). 4 submissions from 3 submitters: Uncertain significance (4). Last evaluated 2025-08-20.

Conditions:
Inborn genetic diseases. Identifiers: MedGen C0950123, MeSH D030342.
Congenital prothrombin deficiency. Also called: Hereditary factor II deficiency disease; Inherited hypoprothrombinemia; Congenital factor II deficiency; Inherited prothrombin deficiency; Factor II deficiency; HYPOPROTHROMBINEMIA. Identifiers: Orphanet 325, MedGen C0272317, MONDO:0013361, OMIM 613679.
Pregnancy loss, recurrent, susceptibility to, 2 (RPRGL2). Identifiers: MedGen C3280672, MONDO:0013728, OMIM 614390.
Ischemic stroke. Also called: Ischemic stroke, susceptibility to; CEREBROVASCULAR ACCIDENT. Identifiers: MedGen C0948008, MONDO:1060198, OMIM 601367, HP:0002140.
Thrombophilia due to thrombin defect (THPH1). Also called: Thrombosis susceptibility; THROMBOPHILIA DUE TO FACTOR 2 DEFECT; Prothrombin-Related Thrombophilia (Factor II); Prothrombin Thrombophilia. Identifiers: MedGen C3160733, MONDO:0008559, OMIM 188050. Disease mechanism: gain of function, loss of function.

Allele frequency attached by ClinVar (database versions not stated): ExAC 0.00001; gnomAD exomes 0.00001; TOPMed 0.00001; gnomAD 0.00003 and 0.00004.
gnomAD v4.1: 18 of 1,614,066 alleles (0.0011%); highest among the groups gnomAD compares: Middle Eastern, 0.016%; no homozygotes.

Submissions (4):

Ambry Genetics
Classification: Uncertain significance for Inborn genetic diseases. Last evaluated: 2025-08-20. Review status: criteria provided, single submitter. Criteria: Ambry Variant Classification Scheme 2023. Collection method: clinical testing. Allele origin: germline.

Illumina Laboratory Services, Illumina
Classification: Uncertain significance for Congenital prothrombin deficiency. Last evaluated: 2018-01-13. Review status: criteria provided, single submitter. Criteria: ICSL Variant Classification Criteria 13 December 2019. Collection method: clinical testing. Allele origin: germline.

Illumina Laboratory Services, Illumina
Classification: Uncertain significance for Thrombophilia due to thrombin defect. Last evaluated: 2018-01-13. Review status: criteria provided, single submitter. Criteria: ICSL Variant Classification Criteria 13 December 2019. Collection method: clinical testing. Allele origin: germline.

Juno Genomics, Hangzhou Juno Genomics, Inc
Classification: Uncertain significance for Thrombophilia due to thrombin defect; Pregnancy loss, recurrent, susceptibility to, 2; Ischemic stroke; Congenital prothrombin deficiency. Review status: criteria provided, single submitter. Criteria: ACMG Guidelines, 2015. Collection method: clinical testing. Allele origin: germline.
Comment: Absent from controls (or at extremely low frequency if recessive) in Genome Aggregation Database.